The following is an entry in ClinVar:

NM_017654.4(SAMD9):c.430G>A (p.Glu144Lys)

Gene: SAMD9 (sterile alpha motif domain containing 9; minus strand). Cytogenetic location: 7q21.2.
Variant type: single nucleotide variant.
Coding change: c.430G>A on transcript NM_017654.4 (MANE Select); coding-DNA position 430, G replaced by A.
Protein change: p.Glu144Lys; replaces glutamic acid 144 with lysine.
Molecular consequence: missense variant.
Genome position (GRCh38, 1-based): chr7:93,105,668, C>T on the plus strand (G>A on the coding strand, the complement: SAMD9 is on the minus strand). VCF-style: chr7-93105668-C-T. GRCh37 (hg19) VCF-style: chr7-92734981-C-T.
Other names: c.430G>A (NM_017654.3); c.430G>A, p.Glu144Lys (NM_001193307.2); short protein forms E144K.
Identifiers: ClinVar variation 1493825 (VCV001493825.9), dbSNP rs2116422703, ClinGen allele CA368205213.

ClinVar aggregate classification (germline): Uncertain significance. Review status: criteria provided, multiple submitters, no conflicts (2 of 4 stars). 2 submissions from 2 submitters: Uncertain significance (2). Last evaluated 2025-04-25.

Conditions:
Inborn genetic diseases. Identifiers: MedGen C0950123, MeSH D030342.

Submissions (2):

Ambry Genetics
Classification: Uncertain significance for Inborn genetic diseases. Last evaluated: 2025-04-25. Review status: criteria provided, single submitter. Criteria: Ambry Variant Classification Scheme 2023. Collection method: clinical testing. Allele origin: germline.
Comment: The p.E144K variant (also known as c.430G>A), located in coding exon 1 of the SAMD9 gene, results from a G to A substitution at nucleotide position 430. The glutamic acid at codon 144 is replaced by lysine, an amino acid with similar properties. This amino acid position is conserved. In addition, this alteration is predicted to be tolerated by in silico analysis. Based on the available evidence, the clinical significance of this variant remains unclear.

Labcorp Genetics (formerly Invitae), Labcorp
Classification: Uncertain significance. Last evaluated: 2021-05-26. Review status: criteria provided, single submitter. Criteria: Invitae Variant Classification Sherloc (09022015). Collection method: clinical testing. Allele origin: germline.
Comment: In summary, the available evidence is currently insufficient to determine the role of this variant in disease. Therefore, it has been classified as a Variant of Uncertain Significance. Algorithms developed to predict the effect of missense changes on protein structure and function output the following: SIFT: "Tolerated"; PolyPhen-2: "Benign"; Align-GVGD: "Class C0". The lysine amino acid residue is found in multiple mammalian species, suggesting that this missense change does not adversely affect protein function. These predictions have not been confirmed by published functional studies and their clinical significance is uncertain. This variant has not been reported in the literature in individuals with SAMD9-related conditions. This variant is not present in population databases (ExAC no frequency). This sequence change replaces glutamic acid with lysine at codon 144 of the SAMD9 protein (p.Glu144Lys). The glutamic acid residue is moderately conserved and there is a small physicochemical difference between glutamic acid and lysine.